The following is an entry in ClinVar:

ClinVar aggregate classification (germline): Uncertain significance. Review status: criteria provided, single submitter (1 of 4 stars). 2 submissions from 2 submitters: Uncertain significance (1). 1 of the submissions does not count toward it. Last evaluated 2022-02-24.

Conditions:
Usher syndrome type 1B (USH1B). Also called: Usher syndrome type IB. Identifiers: MedGen C1848638, MONDO:0700087.

Allele frequency attached by ClinVar (database versions not stated): gnomAD exomes below 0.00001 and 0.00001; ExAC 0.00001.
gnomAD v4.1: 2 of 1,612,664 alleles (0.00012%); highest among the groups gnomAD compares: Non-Finnish European, 0.00017%; no homozygotes.

Submissions (2):

Labcorp Genetics (formerly Invitae), Labcorp
Classification: Uncertain significance. Last evaluated: 2022-02-24. Review status: criteria provided, single submitter. Criteria: Invitae Variant Classification Sherloc (09022015). Collection method: clinical testing. Allele origin: germline.
Comment: In summary, the available evidence is currently insufficient to determine the role of this variant in disease. Therefore, it has been classified as a Variant of Uncertain Significance. Advanced modeling of protein sequence and biophysical properties (such as structural, functional, and spatial information, amino acid conservation, physicochemical variation, residue mobility, and thermodynamic stability) performed at Invitae indicates that this missense variant is expected to disrupt MYO7A protein function. ClinVar contains an entry for this variant (Variation ID: 1052722). This variant has not been reported in the literature in individuals affected with MYO7A-related conditions. This variant is present in population databases (rs774755172, gnomAD 0.002%). This sequence change replaces cysteine, which is neutral and slightly polar, with arginine, which is basic and polar, at codon 1928 of the MYO7A protein (p.Cys1928Arg).

Natera, Inc.
Classification: Uncertain significance for Usher syndrome type 1B. Last evaluated: 2020-08-07. Review status: no assertion criteria provided. Collection method: clinical testing. Allele origin: germline. Not counted in ClinVar's aggregate classification.

NM_000260.4(MYO7A):c.5782T>C (p.Cys1928Arg)

Gene: MYO7A (myosin VIIA; plus strand). Cytogenetic location: 11q13.5.
Variant type: single nucleotide variant.
Coding change: c.5782T>C on transcript NM_000260.4 (MANE Select); coding-DNA position 5782, T replaced by C.
Protein change: p.Cys1928Arg; replaces cysteine 1928 with arginine.
Molecular consequence: missense variant.
Genome position (GRCh38, 1-based): chr11:77,207,328, T>C. VCF-style: chr11-77207328-T-C. GRCh37 (hg19) VCF-style: chr11-76918373-T-C.
Other names: c.5668T>C, p.Cys1890Arg (NM_001127180.2); c.5635T>C, p.Cys1879Arg (NM_001369365.1); short protein forms C1879R, C1890R, C1928R.
Identifiers: ClinVar variation 1052722 (VCV001052722.4), dbSNP rs774755172, ClinGen allele CA6198832.